The following is an entry in ClinVar:

NM_001365951.3(KIF1B):c.1943C>A (p.Pro648His)

Gene: KIF1B (kinesin family member 1B; plus strand). Cytogenetic location: 1p36.22.
Variant type: single nucleotide variant.
Coding change: c.1943C>A on transcript NM_001365951.3 (MANE Select); coding-DNA position 1943, C replaced by A.
Protein change: p.Pro648His; replaces proline 648 with histidine.
Molecular consequence: missense variant.
Genome position (GRCh38, 1-based): chr1:10,296,978, C>A. VCF-style: chr1-10296978-C-A. GRCh37 (hg19) VCF-style: chr1-10357036-C-A.
Other names: c.1943C>A, p.Pro648His (NM_001365952.1); c.1805C>A, p.Pro602His (NM_001365953.1, NM_015074.3, NM_183416.4); short protein forms P648H, P602H.
Identifiers: ClinVar variation 1407615 (VCV001407615.10), dbSNP rs771169398, ClinGen allele CA581130.

ClinVar aggregate classification (germline): Conflicting classifications of pathogenicity. Review status: criteria provided, conflicting classifications (1 of 4 stars). 2 submissions from 2 submitters: Uncertain significance (1); Likely benign (1). Last evaluated 2024-10-23.

Conditions:
Charcot-Marie-Tooth disease type 2. Also called: Charcot-Marie-Tooth type 2. Identifiers: Orphanet 64746, MedGen C0270914, MONDO:0018993.

Allele frequency attached by ClinVar (database versions not stated): gnomAD exomes 0.00001 and 0.00002; ExAC 0.00002.
gnomAD v4.1: 9 of 1,614,064 alleles (0.00056%); highest among the groups gnomAD compares: East Asian, 0.02%; no homozygotes.

Submissions (2):

Labcorp Genetics (formerly Invitae), Labcorp
Classification: Uncertain significance for Charcot-Marie-Tooth disease type 2. Last evaluated: 2024-10-23. Review status: criteria provided, single submitter. Criteria: Invitae Variant Classification Sherloc (09022015). Collection method: clinical testing. Allele origin: germline.
Comment: This sequence change replaces proline, which is neutral and non-polar, with histidine, which is basic and polar, at codon 602 of the KIF1B protein (p.Pro602His). This variant is present in population databases (rs771169398, gnomAD 0.03%). This variant has not been reported in the literature in individuals affected with KIF1B-related conditions. ClinVar contains an entry for this variant (Variation ID: 1407615). Invitae Evidence Modeling of protein sequence and biophysical properties (such as structural, functional, and spatial information, amino acid conservation, physicochemical variation, residue mobility, and thermodynamic stability) indicates that this missense variant is not expected to disrupt KIF1B protein function with a negative predictive value of 80%. In summary, the available evidence is currently insufficient to determine the role of this variant in disease. Therefore, it has been classified as a Variant of Uncertain Significance.

Ambry Genetics
Classification: Likely benign. Last evaluated: 2023-06-29. Review status: criteria provided, single submitter. Criteria: Ambry Variant Classification Scheme 2023. Collection method: clinical testing. Allele origin: germline.